The following is an entry in ClinVar:

NM_003126.4(SPTA1):c.3374del (p.Lys1125fs)

Gene: SPTA1 (spectrin alpha, erythrocytic 1; minus strand). Cytogenetic location: 1q23.1.
Variant type: Deletion.
Coding change: c.3374del on transcript NM_003126.4 (MANE Select); coding-DNA position 3374, one base deleted (A; older notation c.3374delA).
Protein change: p.Lys1125fs; shifts the reading frame from lysine 1125.
Molecular consequence: frameshift variant.
Genome position (GRCh38, 1-based): chr1:158,652,468, T deleted on the plus strand (A on the coding strand, the reverse complement: SPTA1 is on the minus strand); the first of 4 consecutive T bases (chr1:158,652,468-158,652,471); deleting any one gives the same sequence. VCF-style (leftmost placement, unchanged base first): chr1-158652467-CT-C. GRCh37 (hg19) VCF-style: chr1-158622257-CT-C.
Other names: short protein forms K1125fs.
Identifiers: ClinVar variation 2690725 (VCV002690725.5), dbSNP rs2525111885, ClinGen allele CA2697554616.
Genomic context (GRCh38, chr1:158,652,467, plus strand): 5'-ATATGCTGAGGGATAAAAGCAAACAATGGCAACCTTCAAGAGAAGGTTCCTCTTTCTCAC[CT>C]TTTGGAACTCATCAAACTTTTTCTGCAGCTCCCAAACATCATCTAGTTCCACTCCAGTGT-3'

ClinVar aggregate classification (germline): Pathogenic/Likely pathogenic. Review status: criteria provided, multiple submitters, no conflicts (2 of 4 stars). 2 submissions from 2 submitters: Pathogenic (1); Likely pathogenic (1). Last evaluated 2023-12-01.

Submissions (2):

Labcorp Genetics (formerly Invitae), Labcorp
Classification: Pathogenic. Last evaluated: 2023-12-01. Review status: criteria provided, single submitter. Criteria: Invitae Variant Classification Sherloc (09022015). Collection method: clinical testing. Allele origin: germline.
Comment: This sequence change creates a premature translational stop signal (p.Lys1125Argfs*3) in the SPTA1 gene. It is expected to result in an absent or disrupted protein product. Loss-of-function variants in SPTA1 are known to be pathogenic (PMID: 9192783, 18815189, 31333484, 31723846, 32266426). This variant is not present in population databases (gnomAD no frequency). This variant has not been reported in the literature in individuals affected with SPTA1-related conditions. For these reasons, this variant has been classified as Pathogenic.

Revvity Omics, Revvity
Classification: Likely pathogenic. Last evaluated: 2023-03-19. Review status: criteria provided, single submitter. Criteria: ACMG Guidelines, 2015. Collection method: clinical testing. Allele origin: germline.

Literature cited by the submitters: PubMed 9192783 (cited by Labcorp Genetics (formerly Invitae), Labcorp); PubMed 18815189 (cited by Labcorp Genetics (formerly Invitae), Labcorp); PubMed 31333484 (cited by Labcorp Genetics (formerly Invitae), Labcorp); PubMed 31723846 (cited by Labcorp Genetics (formerly Invitae), Labcorp); PubMed 32266426 (cited by Labcorp Genetics (formerly Invitae), Labcorp).